The following is an entry in ClinVar:

ClinVar aggregate classification (germline): Uncertain significance. Review status: reviewed by expert panel (3 of 4 stars). 3 submissions from 3 submitters: Uncertain significance (1). 2 of the submissions do not count toward it. Last evaluated 2024-09-25.

Conditions:
Hereditary thrombocytopenia and hematological cancer predisposition syndrome associated with RUNX1. Also called: PLATELET DISORDER, ASPIRIN-LIKE; Familial Platelet Disorder with Propensity to Acute Myelogenous Leukemia; Familial thrombocytopenia with propensity to acute myelogenous leukemia; RUNX1 Familial Platelet Disorder with Associated Myeloid Malignancies. Identifiers: Orphanet 71290, MedGen C1832388, MeSH C563324, MONDO:0100083, OMIM 601399.
Hereditary thrombocytopenia and hematologic cancer predisposition syndrome. Identifiers: Orphanet 71290, MedGen CN281654, MONDO:0011071.
Inborn genetic diseases. Identifiers: MedGen C0950123, MeSH D030342.

Submissions (3):

ClinGen Myeloid Malignancy Variant Curation Expert Panel
Classification: Uncertain significance for Hereditary thrombocytopenia and hematologic cancer predisposition syndrome. Last evaluated: 2024-09-25. Review status: reviewed by expert panel. Criteria: ClinGen MyeloMalig ACMG Specifications v2. Collection method: curation. Allele origin: germline. Inheritance: Autosomal dominant inheritance.
Comment: NM_001754.5(RUNX1):c.883_885del (p.Ser295del) is an in-frame deletion. This variant is completely absent from all population databases with at least 20x coverage for RUNX1 (PM2_supporting). In summary, the clinical significance of this variant is uncertain. ACMG/AMP criteria applied, as specified by the Myeloid Malignancy Variant Curation Expert Panel for RUNX1: PM2_supporting.

Ambry Genetics
Classification: Uncertain significance for Inborn genetic diseases. Last evaluated: 2025-02-27. Review status: criteria provided, single submitter. Criteria: Ambry Variant Classification Scheme 2023. Collection method: clinical testing. Allele origin: germline. Not counted in ClinVar's aggregate classification.
Comment: The c.883_885delTCT variant (also known as p.S295del) is located in coding exon 7 of the RUNX1 gene. This variant results from an in-frame TCT deletion at nucleotide positions 883 to 885. This results in the in-frame deletion of a serine at codon 295. This amino acid region is well conserved in available vertebrate species. In addition, this alteration is predicted to be deleterious by in silico analysis (Choi Y et al. PLoS ONE. 2012; 7(10):e46688). Based on the available evidence, the clinical significance of this variant remains unclear.

Labcorp Genetics (formerly Invitae), Labcorp
Classification: Uncertain significance for Hereditary thrombocytopenia and hematological cancer predisposition syndrome associated with RUNX1. Last evaluated: 2023-09-26. Review status: criteria provided, single submitter. Criteria: Invitae Variant Classification Sherloc (09022015). Collection method: clinical testing. Allele origin: germline. Not counted in ClinVar's aggregate classification.
Comment: ClinVar contains an entry for this variant (Variation ID: 464012). This variant, c.883_885del, results in the deletion of 1 amino acid(s) of the RUNX1 protein (p.Ser295del), but otherwise preserves the integrity of the reading frame. This variant is present in population databases (rs771972670, gnomAD 0.02%). This variant has not been reported in the literature in individuals affected with RUNX1-related conditions. Experimental studies and prediction algorithms are not available or were not evaluated, and the functional significance of this variant is currently unknown. In summary, the available evidence is currently insufficient to determine the role of this variant in disease. Therefore, it has been classified as a Variant of Uncertain Significance.

NM_001754.5(RUNX1):c.883_885del (p.Ser295del)

Gene: RUNX1 (RUNX family transcription factor 1; minus strand). Cytogenetic location: 21q22.12.
Variant type: Deletion.
Coding change: c.883_885del on transcript NM_001754.5 (MANE Select); coding-DNA positions 883 to 885, 3 bases deleted (TCT; older notation c.883_885delTCT).
Protein change: p.Ser295del; deletes serine 295.
Molecular consequence: inframe deletion.
Genome position (GRCh38, 1-based): chr21:34,799,383-34,799,385, AGA deleted on the plus strand (TCT on the coding strand, the reverse complement: RUNX1 is on the minus strand); deleting any 3 consecutive bases within chr21:34,799,383-34,799,387 gives the same sequence; the c. name uses the placement nearest the transcript's 3' end. VCF-style (leftmost placement, unchanged base first): chr21-34799382-CAGA-C. GRCh37 (hg19) VCF-style: chr21-36171679-CAGA-C.
Other names: NM_001754.5(RUNX1):c.883_885del; p.Ser295del; c.883_885delTCT (NM_001754.4); c.802_804del, p.Ser268del (NM_001001890.3); short protein forms S295del, S268del.
Identifiers: ClinVar variation 464012 (VCV000464012.8), dbSNP rs771972670, ClinGen allele CA10014274.